The following is an entry in ClinVar:

ClinVar aggregate classification (germline): Uncertain significance (1 of 4 stars; one submission).

Conditions:
Cardiovascular phenotype. Identifiers: MedGen CN230736.

Submission:

Ambry Genetics
Classification: Uncertain significance for Cardiovascular phenotype. Last evaluated: 2025-08-28. Review status: criteria provided, single submitter. Criteria: Ambry Variant Classification Scheme 2023. Collection method: clinical testing. Allele origin: germline.
Comment: The p.V416M variant (also known as c.1246G>A), located in coding exon 1 of the ZNF469 gene, results from a G to A substitution at nucleotide position 1246. The valine at codon 416 is replaced by methionine, an amino acid with highly similar properties. This amino acid position is conserved. In addition, this alteration is predicted to be tolerated by in silico analysis. Based on the available evidence, the clinical significance of this variant remains unclear.

NM_001127464.1:c.1246G>A

Gene: ZNF469 (zinc finger protein 469; plus strand).
Variant type: single nucleotide variant.
Identifiers: ClinVar variation 4209117 (VCV004209117.1).